The following is an entry in ClinVar:

ClinVar aggregate classification (germline): Uncertain significance (1 of 4 stars; one submission).

Conditions:
Intellectual developmental disorder, autosomal dominant 1. Also called: MBD5 Haploinsufficiency; Intellectual disability, autosomal dominant 1. Identifiers: Orphanet 228402, MedGen C1969562, MONDO:0007974, OMIM 156200.

Allele frequency attached by ClinVar (database versions not stated): gnomAD exomes below 0.00001.
gnomAD v4.1: 2 of 1,612,398 alleles (0.00012%); highest among the groups gnomAD compares: Middle Eastern, 0.034%; no homozygotes.

Submission:

Labcorp Genetics (formerly Invitae), Labcorp
Classification: Uncertain significance for Intellectual developmental disorder, autosomal dominant 1. Last evaluated: 2023-12-18. Review status: criteria provided, single submitter. Criteria: Invitae Variant Classification Sherloc (09022015). Collection method: clinical testing. Allele origin: germline.
Comment: This sequence change replaces serine, which is neutral and polar, with glycine, which is neutral and non-polar, at codon 1463 of the MBD5 protein (p.Ser1463Gly). This variant is present in population databases (no rsID available, gnomAD 0.0009%). This variant has not been reported in the literature in individuals affected with MBD5-related conditions. Experimental studies and prediction algorithms are not available or were not evaluated, and the functional significance of this variant is currently unknown. In summary, the available evidence is currently insufficient to determine the role of this variant in disease. Therefore, it has been classified as a Variant of Uncertain Significance.

NM_001378120.1(MBD5):c.5086A>G (p.Ser1696Gly)

Gene: MBD5 (methyl-CpG binding domain protein 5; plus strand). Cytogenetic location: 2q23.1.
Variant type: single nucleotide variant.
Coding change: c.5086A>G on transcript NM_001378120.1 (MANE Select); coding-DNA position 5086, A replaced by G.
Protein change: p.Ser1696Gly; replaces serine 1696 with glycine.
Molecular consequence: missense variant.
Genome position (GRCh38, 1-based): chr2:148,510,109, A>G. VCF-style: chr2-148510109-A-G. GRCh37 (hg19) VCF-style: chr2-149267678-A-G.
Other names: c.4387A>G, p.Ser1463Gly (NM_018328.5); short protein forms S1696G, S1463G.
Identifiers: ClinVar variation 2988085 (VCV002988085.3), dbSNP rs1337252057, ClinGen allele CA348859255.
Genomic context (GRCh38, chr2:148,510,109, plus strand): 5'-ATTAATTCCAGAAGTGGAAAGCTAAATAACCATTTAGAAGCTGCTATTCATGAGGCCATG[A>G]GTGAACTGGACAAAATGTCTGGGACTGTAAGTTAATTTATTTTTCCATTATACTACGTTT-3'
Protein context (NP_001365049.1, residues 1686-1706): HLEAAIHEAM[Ser1696Gly]ELDKMSGTVH